The following is an entry in ClinVar:

NC_000002.11:g.(?_48023023)_(48035526_?)dup

Genes: FBXO11 (F-box protein 11; minus strand), MSH6 (mutS homolog 6; plus strand). Cytogenetic location: 2p16.3.
Variant type: Duplication.
Identifiers: ClinVar variation 1409184 (VCV001409184.5).

ClinVar aggregate classification (germline): Uncertain significance (1 of 4 stars; one submission).

Conditions:
Hereditary nonpolyposis colorectal neoplasms. Identifiers: MedGen C0009405, MeSH D003123.

Submission:

Labcorp Genetics (formerly Invitae), Labcorp
Classification: Uncertain significance for Hereditary nonpolyposis colorectal neoplasms. Last evaluated: 2021-12-20. Review status: criteria provided, single submitter. Criteria: Invitae Variant Classification Sherloc (09022015). Collection method: clinical testing. Allele origin: germline.
Comment: This variant has not been reported in the literature in individuals affected with MSH6-related conditions. In summary, the available evidence is currently insufficient to determine the role of this variant in disease. Therefore, it has been classified as a Variant of Uncertain Significance. This variant results in a copy number gain of the genomic region encompassing exon(s) 3-10 of the MSH6 gene. This region includes the termination codon of the gene. This copy number gain extends beyond the assayed region for this gene and therefore may encompass additional genes. As the precise location of this event is unknown, it may be in tandem or it may be located elsewhere in the genome.